The following is an entry in ClinVar:

NM_006015.6(ARID1A):c.3198+2T>A

Gene: ARID1A (AT-rich interaction domain 1A; plus strand). Cytogenetic location: 1p36.11.
Variant type: single nucleotide variant.
Coding change: c.3198+2T>A on transcript NM_006015.6 (MANE Select); the canonical splice donor site of the intron after coding-DNA position 3198, T replaced by A.
Molecular consequence: splice donor variant.
Genome position (GRCh38, 1-based): chr1:26,768,001, T>A. VCF-style: chr1-26768001-T-A. GRCh37 (hg19) VCF-style: chr1-27094492-T-A.
Other names: c.3198+2T>A (NM_139135.4).
Identifiers: ClinVar variation 3382678 (VCV003382678.2).

ClinVar aggregate classification (germline): Likely pathogenic (1 of 4 stars; one submission).

Conditions:
Intellectual disability, autosomal dominant 14 (CSS2). Also called: COFFIN-SIRIS SYNDROME 2. Identifiers: Orphanet 1465, MedGen C3553247, MONDO:0013819, OMIM 614607.

Submission:

Juno Genomics, Hangzhou Juno Genomics, Inc
Classification: Likely pathogenic for Intellectual disability, autosomal dominant 14. Review status: criteria provided, single submitter. Criteria: ACMG Guidelines, 2015. Collection method: clinical testing. Allele origin: germline. Affected: yes.
Comment: Absent from controls (or at extremely low frequency if recessive) in Genome Aggregation Database, Exome Sequencing Project, 1000 Genomes Project, or Exome Aggregation Consortium.;Null variant in a gene where loss of function (LOF) is a known mechanism of disease.;De novo (both maternity and paternity confirmed) in a patient with the disease and no family history.;Patient's phenotype or family history is highly specific for a disease with a single genetic etiology.